The following is an entry in ClinVar:

ClinVar aggregate classification (germline): Likely benign. Review status: criteria provided, multiple submitters, no conflicts (2 of 4 stars). 2 submissions from 2 submitters: Likely benign (2). Last evaluated 2025-06-30.

Conditions:
VWF-related disorder. Also called: VWF-related disorders; VWF-related condition.

Allele frequency attached by ClinVar (database versions not stated): TOPMed 0.00004; gnomAD exomes 0.00006; ESP Exome Variant Server 0.00008; ExAC 0.00010.
gnomAD v4.1: 186 of 1,613,998 alleles (0.012%); highest among the groups gnomAD compares: South Asian, 0.019%; no homozygotes.

Submissions (2):

PreventionGenetics, part of Exact Sciences
Classification: Likely benign for VWF-related condition. Last evaluated: 2025-06-30. Review status: criteria provided, single submitter. Criteria: ACMG Guidelines, 2015. Collection method: clinical testing. Allele origin: germline.
Comment: This variant is classified as likely benign based on ACMG/AMP sequence variant interpretation guidelines (Richards et al. 2015 PMID: 25741868, with internal and published modifications).

Quest Diagnostics Nichols Institute San Juan Capistrano
Classification: Likely benign. Last evaluated: 2025-01-14. Review status: criteria provided, single submitter. Criteria: Quest Diagnostics criteria. Collection method: clinical testing. Allele origin: unknown.

NM_000552.5(VWF):c.1311C>T (p.Asp437=)

Gene: VWF (von Willebrand factor; minus strand). Cytogenetic location: 12p13.31.
Variant type: single nucleotide variant.
Coding change: c.1311C>T on transcript NM_000552.5 (MANE Select); coding-DNA position 1311, C replaced by T.
Protein change: p.Asp437=; no amino-acid change (aspartic acid 437 retained).
Molecular consequence: synonymous variant.
Genome position (GRCh38, 1-based): chr12:6,064,367, G>A on the plus strand (C>T on the coding strand, the complement: VWF is on the minus strand). VCF-style: chr12-6064367-G-A. GRCh37 (hg19) VCF-style: chr12-6173533-G-A.
Other names: c.1311C>T (NM_000552.4).
Identifiers: ClinVar variation 4532992 (VCV004532992.2), dbSNP rs374722386.